The following is an entry in ClinVar:

ClinVar aggregate classification (germline): Uncertain significance (1 of 4 stars; one submission).

Conditions:
Aortic valve disease 2 (AOVD2). Identifiers: MedGen C3542024, MONDO:0013902, OMIM 614823.

gnomAD v4.1: 5 of 1,357,874 alleles (0.00037%); highest among the groups gnomAD compares: Non-Finnish European, 0.00029%; no homozygotes.

Submission:

Labcorp Genetics (formerly Invitae), Labcorp
Classification: Uncertain significance for Aortic valve disease 2. Last evaluated: 2022-03-13. Review status: criteria provided, single submitter. Criteria: Invitae Variant Classification Sherloc (09022015). Collection method: clinical testing. Allele origin: germline.
Comment: In summary, the available evidence is currently insufficient to determine the role of this variant in disease. Therefore, it has been classified as a Variant of Uncertain Significance. This sequence change replaces serine, which is neutral and polar, with phenylalanine, which is neutral and non-polar, at codon 197 of the SMAD6 protein (p.Ser197Phe). This variant is not present in population databases (gnomAD no frequency). This variant has not been reported in the literature in individuals affected with SMAD6-related conditions. Algorithms developed to predict the effect of missense changes on protein structure and function are either unavailable or do not agree on the potential impact of this missense change (SIFT: "Deleterious"; PolyPhen-2: "Possibly Damaging"; Align-GVGD: "Class C15").

NM_005585.5(SMAD6):c.590C>T (p.Ser197Phe)

Gene: SMAD6 (SMAD family member 6; plus strand). Cytogenetic location: 15q22.31.
Variant type: single nucleotide variant.
Coding change: c.590C>T on transcript NM_005585.5 (MANE Select); coding-DNA position 590, C replaced by T.
Protein change: p.Ser197Phe; replaces serine 197 with phenylalanine.
Molecular consequence: missense variant. On other transcripts: non-coding transcript variant (1).
Genome position (GRCh38, 1-based): chr15:66,703,848, C>T. VCF-style: chr15-66703848-C-T. GRCh37 (hg19) VCF-style: chr15-66996186-C-T.
Other names: short protein forms S197F.
Identifiers: ClinVar variation 2195065 (VCV002195065.4), dbSNP rs1893041246, ClinGen allele CA392949852.